The following is an entry in ClinVar:

ClinVar aggregate classification (germline): Uncertain significance (1 of 4 stars; one submission).

Conditions:
Familial thoracic aortic aneurysm and aortic dissection (TAAD). Also called: Thoracic aortic aneurysms and dissections. Identifiers: Orphanet 91387, MedGen C4707243, MONDO:0019625.

Allele frequency attached by ClinVar (database versions not stated): gnomAD 0.00001; TOPMed 0.00001.
gnomAD v4.1: 2 of 1,613,910 alleles (0.00012%); highest among the groups gnomAD compares: African/African-American, 0.0027%; no homozygotes.

Submission:

Ambry Genetics
Classification: Uncertain significance for Familial thoracic aortic aneurysm and aortic dissection. Last evaluated: 2016-04-05. Review status: criteria provided, single submitter. Criteria: Ambry Variant Classification Scheme 2023. Collection method: clinical testing. Allele origin: germline.
Comment: The p.A72S variant (also known as c.214G>T), located in coding exon 3 of the PLOD1 gene, results from a G to T substitution at nucleotide position 214. The alanine at codon 72 is replaced by serine, an amino acid with some similar properties. This variant was not reported in population based cohorts in the following databases: Database of Single Nucleotide Polymorphisms (dbSNP), NHLBI Exome Sequencing Project (ESP), and 1000 Genomes Project. In the ESP, this variant was not observed in 6503 samples (13006 alleles) with coverage at this position. This amino acid position is not well conserved in available vertebrate species; however, serine is the reference amino acid in other vertebrate species. In addition, this alteration is predicted to be tolerated by in silico analysis. Since supporting evidence is limited at this time, the clinical significant of this variant remains unclear.

NM_000302.4(PLOD1):c.214G>T (p.Ala72Ser)

Gene: PLOD1 (procollagen-lysine,2-oxoglutarate 5-dioxygenase 1; plus strand). Cytogenetic location: 1p36.22.
Variant type: single nucleotide variant.
Coding change: c.214G>T on transcript NM_000302.4 (MANE Select); coding-DNA position 214, G replaced by T.
Protein change: p.Ala72Ser; replaces alanine 72 with serine.
Molecular consequence: missense variant.
Genome position (GRCh38, 1-based): chr1:11,949,818, G>T. VCF-style: chr1-11949818-G-T. GRCh37 (hg19) VCF-style: chr1-12009875-G-T.
Other names: c.355G>T, p.Ala119Ser (NM_001316320.2); short protein forms A72S, A119S.
Identifiers: ClinVar variation 520106 (VCV000520106.5), dbSNP rs1343912990, ClinGen allele CA338426262.